The following is an entry in ClinVar:

NM_001113378.2(FANCI):c.2872C>G (p.Gln958Glu)

Gene: FANCI (FA complementation group I; plus strand). Cytogenetic location: 15q26.1.
Variant type: single nucleotide variant.
Coding change: c.2872C>G on transcript NM_001113378.2 (MANE Select); coding-DNA position 2872, C replaced by G.
Protein change: p.Gln958Glu; replaces glutamine 958 with glutamic acid.
Molecular consequence: missense variant.
Genome position (GRCh38, 1-based): chr15:89,300,368, C>G. VCF-style: chr15-89300368-C-G. GRCh37 (hg19) VCF-style: chr15-89843599-C-G.
Other names: c.2593C>G, p.Gln865Glu (NM_001376910.1); c.2872C>G, p.Gln958Glu (NM_001376911.1); c.2692C>G, p.Gln898Glu (NM_018193.3); short protein forms Q865E, Q958E, Q898E.
Identifiers: ClinVar variation 2138116 (VCV002138116.1), dbSNP rs372553903, ClinGen allele CA7723490.

ClinVar aggregate classification (germline): Uncertain significance (1 of 4 stars; one submission).

Conditions:
Fanconi anemia (FA). Also called: Fanconi's anemia. Identifiers: Orphanet 84, MedGen C0015625, MeSH D005199, MONDO:0019391.

Allele frequency attached by ClinVar (database versions not stated): TOPMed below 0.00001; ExAC 0.00001; gnomAD 0.00001; ESP Exome Variant Server 0.00008.
gnomAD v4.1: 19 of 1,613,678 alleles (0.0012%); highest among the groups gnomAD compares: Admixed American, 0.0017%; no homozygotes.

Submission:

Labcorp Genetics (formerly Invitae), Labcorp
Classification: Uncertain significance for Fanconi anemia. Last evaluated: 2021-12-19. Review status: criteria provided, single submitter. Criteria: Invitae Variant Classification Sherloc (09022015). Collection method: clinical testing. Allele origin: germline.
Comment: This sequence change replaces glutamine, which is neutral and polar, with glutamic acid, which is acidic and polar, at codon 958 of the FANCI protein (p.Gln958Glu). This variant is present in population databases (rs372553903, gnomAD 0.0009%). This missense change has been observed in individual(s) with breast cancer (PMID: 30303537). Algorithms developed to predict the effect of missense changes on protein structure and function (SIFT, PolyPhen-2, Align-GVGD) all suggest that this variant is likely to be tolerated. In summary, the available evidence is currently insufficient to determine the role of this variant in disease. Therefore, it has been classified as a Variant of Uncertain Significance.

Literature cited by the submitters: PubMed 30303537.